The following is an entry in ClinVar:

ClinVar aggregate classification (germline): Likely benign. Review status: criteria provided, single submitter (1 of 4 stars). 2 submissions from 2 submitters: Likely benign (1). 1 of the submissions does not count toward it. Last evaluated 2018-08-21.

Conditions:
EPHB2-related disorder. Also called: EPHB2-related condition.

Allele frequency attached by ClinVar (database versions not stated): gnomAD exomes 0.00003 and 0.00011; ExAC 0.00015; gnomAD 0.00031 and 0.00033; TOPMed 0.00037; ESP Exome Variant Server 0.00046; 1000 Genomes Project 30x 0.00062; 1000 Genomes Project 0.00080.
gnomAD v4.1: 93 of 1,614,182 alleles (0.0058%); highest among the groups gnomAD compares: African/African-American, 0.12%; no homozygotes.

Submissions (2):

Labcorp Genetics (formerly Invitae), Labcorp
Classification: Likely benign. Last evaluated: 2018-08-21. Review status: criteria provided, single submitter. Criteria: Invitae Variant Classification Sherloc (09022015). Collection method: clinical testing. Allele origin: germline.

PreventionGenetics, part of Exact Sciences
Classification: Likely benign for EPHB2-related condition. Last evaluated: 2024-05-16. Review status: no assertion criteria provided. Collection method: clinical testing. Allele origin: germline. Not counted in ClinVar's aggregate classification.
Comment: This variant is classified as likely benign based on ACMG/AMP sequence variant interpretation guidelines (Richards et al. 2015 PMID: 25741868, with internal and published modifications).

NM_017449.5(EPHB2):c.2640A>G (p.Leu880=)

Gene: EPHB2 (EPH receptor B2; plus strand). Cytogenetic location: 1p36.12.
Variant type: single nucleotide variant.
Coding change: c.2640A>G on transcript NM_017449.5 (MANE Select); coding-DNA position 2640, A replaced by G.
Protein change: p.Leu880=; no amino-acid change (leucine 880 retained).
Molecular consequence: synonymous variant.
Genome position (GRCh38, 1-based): chr1:22,910,519, A>G. VCF-style: chr1-22910519-A-G. GRCh37 (hg19) VCF-style: chr1-23237012-A-G.
Other names: c.2466A>G, p.Leu822= (NM_001309192.2); c.2640A>G, p.Leu880= (NM_001309193.2); c.2643A>G, p.Leu881= (NM_004442.7).
Identifiers: ClinVar variation 738084 (VCV000738084.4), dbSNP rs147815673, ClinGen allele CA679015.